The following is an entry in ClinVar:

ClinVar aggregate classification (germline): Pathogenic (0 of 4 stars; one submission).

Conditions:
SFTPC-related disorder. Also called: SFTPC-related condition.

Submission:

PreventionGenetics, part of Exact Sciences
Classification: Pathogenic for SFTPC-related condition. Last evaluated: 2024-03-08. Review status: no assertion criteria provided. Collection method: clinical testing. Allele origin: germline.
Comment: The SFTPC c.325-2A>C variant is predicted to disrupt the AG splice acceptor site and interfere with normal splicing. To our knowledge, this variant has not been reported in the literature or in a large population database, indicating this variant is rare. A different nucleotide substitution at the same position (c.325-2A>G) has been reported in patient with interstitial lung disease (Willander et al. 2012. PubMed ID: 22308375). Variants that disrupt the consensus splice acceptor site in SFTPC are expected to be pathogenic. This variant is interpreted as pathogenic.

NM_001317778.2(SFTPC):c.325-2A>C

Gene: SFTPC (surfactant protein C; plus strand). Cytogenetic location: 8p21.3.
Variant type: single nucleotide variant.
Coding change: c.325-2A>C on transcript NM_001317778.2 (MANE Select); the canonical splice acceptor site of the intron before coding-DNA position 325, A replaced by C.
Molecular consequence: splice acceptor variant.
Genome position (GRCh38, 1-based): chr8:22,163,434, A>C. VCF-style: chr8-22163434-A-C. GRCh37 (hg19) VCF-style: chr8-22020947-A-C.
Other names: c.325-2A>C (NM_001385655.1, NM_001385654.1, NM_001385656.1 and 8 more transcripts); c.166-2A>C (NM_001385660.1, NM_001317779.2).
Identifiers: ClinVar variation 3350398 (VCV003350398.1).
Genomic context (GRCh38, chr8:22,163,434, plus strand): 5'-ACCTGGGTCAGGGAGAGAGCAGGGCAGGGACCCCCGAATGATCTCCAGCATTCTGTGCCT[A>C]GCTGCTGATCGCCTACAAGCCAGCCCCTGGCACCTGCTGCTACATCATGAAGATAGCTCC-3'